The following is an entry in ClinVar:

NM_002878.4(RAD51D):c.239C>T (p.Ala80Val)

Genes: RAD51D (RAD51 paralog D; minus strand), RAD51L3-RFFL (RAD51L3-RFFL readthrough; minus strand). Cytogenetic location: 17q12.
Variant type: single nucleotide variant.
Coding change: c.239C>T on transcript NM_002878.4 (MANE Select); coding-DNA position 239, C replaced by T.
Protein change: p.Ala80Val; replaces alanine 80 with valine.
Molecular consequence: missense variant. On other transcripts: intron variant (2).
Genome position (GRCh38, 1-based): chr17:35,118,525, G>A on the plus strand (C>T on the coding strand, the complement: RAD51D is on the minus strand). VCF-style: chr17-35118525-G-A. GRCh37 (hg19) VCF-style: chr17-33445544-G-A.
Other names: c.144+586C>T (NM_133629.3, NM_001142571.2); short protein forms A80V.
Identifiers: ClinVar variation 230011 (VCV000230011.18), dbSNP rs876658332, ClinGen allele CA10580467.

ClinVar aggregate classification (germline): Uncertain significance. Review status: criteria provided, multiple submitters, no conflicts (2 of 4 stars). 3 submissions from 3 submitters: Uncertain significance (3). Last evaluated 2025-01-14.

Conditions:
Hereditary cancer-predisposing syndrome. Also called: Hereditary neoplastic syndrome; Hereditary Cancer Syndrome; Neoplastic Syndromes, Hereditary; Tumor predisposition. Identifiers: Orphanet 140162, MedGen C0027672, MeSH D009386, MONDO:0015356.
Breast-ovarian cancer, familial, susceptibility to, 4. Identifiers: Orphanet 145, MedGen C3280345, MONDO:0013669, OMIM 614291.

Submissions (3):

Ambry Genetics
Classification: Uncertain significance for Hereditary cancer-predisposing syndrome. Last evaluated: 2025-01-14. Review status: criteria provided, single submitter. Criteria: Ambry Variant Classification Scheme 2023. Collection method: clinical testing. Allele origin: germline.
Comment: The p.A80V variant (also known as c.239C>T), located in coding exon 3 of the RAD51D gene, results from a C to T substitution at nucleotide position 239. The alanine at codon 80 is replaced by valine, an amino acid with similar properties. This amino acid position is highly conserved in available vertebrate species. In addition, this alteration is predicted to be deleterious by in silico analysis. Based on the available evidence, the clinical significance of this variant remains unclear.

Labcorp Genetics (formerly Invitae), Labcorp
Classification: Uncertain significance for Breast-ovarian cancer, familial, susceptibility to, 4. Last evaluated: 2024-08-12. Review status: criteria provided, single submitter. Criteria: Invitae Variant Classification Sherloc (09022015). Collection method: clinical testing. Allele origin: germline.
Comment: This sequence change replaces alanine, which is neutral and non-polar, with valine, which is neutral and non-polar, at codon 80 of the RAD51D protein (p.Ala80Val). This variant is not present in population databases (gnomAD no frequency). This variant has not been reported in the literature in individuals affected with RAD51D-related conditions. ClinVar contains an entry for this variant (Variation ID: 230011). Advanced modeling of protein sequence and biophysical properties (such as structural, functional, and spatial information, amino acid conservation, physicochemical variation, residue mobility, and thermodynamic stability) performed at Invitae indicates that this missense variant is not expected to disrupt RAD51D protein function with a negative predictive value of 80%. In summary, the available evidence is currently insufficient to determine the role of this variant in disease. Therefore, it has been classified as a Variant of Uncertain Significance.

Institute of Human Genetics, University of Leipzig Medical Center
Classification: Uncertain significance for Breast-ovarian cancer, familial, susceptibility to, 4. Last evaluated: 2023-03-14. Review status: criteria provided, single submitter. Criteria: ACMG Guidelines, 2015. Collection method: clinical testing. Allele origin: unknown. Affected: yes.
Comment: _x000D_ Criteria applied: PM2_SUP, PP3